The following is an entry in ClinVar:

ClinVar aggregate classification (germline): Uncertain significance (1 of 4 stars; one submission).

Allele frequency attached by ClinVar (database versions not stated): TOPMed 0.00001; gnomAD exomes 0.00002 and 0.00005; ExAC 0.00006.

Submission:

Labcorp Genetics (formerly Invitae), Labcorp
Classification: Uncertain significance. Last evaluated: 2025-02-01. Review status: criteria provided, single submitter. Criteria: Invitae Variant Classification Sherloc (09022015). Collection method: clinical testing. Allele origin: germline.
Comment: This sequence change replaces glutamine, which is neutral and polar, with histidine, which is basic and polar, at codon 124 of the CCT2 protein (p.Gln124His). This variant is present in population databases (rs772568145, gnomAD 0.03%). This variant has not been reported in the literature in individuals affected with CCT2-related conditions. ClinVar contains an entry for this variant (Variation ID: 1047518). An algorithm developed to predict the effect of missense changes on protein structure and function (PolyPhen-2) suggests that this variant is likely to be tolerated. In summary, the available evidence is currently insufficient to determine the role of this variant in disease. Therefore, it has been classified as a Variant of Uncertain Significance.

NM_006431.3(CCT2):c.372G>C (p.Gln124His)

Gene: CCT2 (chaperonin containing TCP1 subunit 2; plus strand). Cytogenetic location: 12q15.
Variant type: single nucleotide variant.
Coding change: c.372G>C on transcript NM_006431.3 (MANE Select); coding-DNA position 372, G replaced by C.
Protein change: p.Gln124His; replaces glutamine 124 with histidine.
Molecular consequence: missense variant.
Genome position (GRCh38, 1-based): chr12:69,588,188, G>C. VCF-style: chr12-69588188-G-C. GRCh37 (hg19) VCF-style: chr12-69981968-G-C.
Other names: c.231G>C, p.Gln77His (NM_001198842.2); short protein forms Q77H, Q124H.
Identifiers: ClinVar variation 1047518 (VCV001047518.6), dbSNP rs772568145, ClinGen allele CA6680559.